The following is an entry in ClinVar:

NM_004655.4(AXIN2):c.261C>A (p.Gly87=)

Gene: AXIN2 (axin 2; minus strand). Cytogenetic location: 17q24.1.
Variant type: single nucleotide variant.
Coding change: c.261C>A on transcript NM_004655.4 (MANE Select); coding-DNA position 261, C replaced by A.
Protein change: p.Gly87=; no amino-acid change (glycine 87 retained).
Molecular consequence: synonymous variant.
Genome position (GRCh38, 1-based): chr17:65,558,360, G>T on the plus strand (C>A on the coding strand, the complement: AXIN2 is on the minus strand). VCF-style: chr17-65558360-G-T. GRCh37 (hg19) VCF-style: chr17-63554478-G-T.
Other names: c.261C>A, p.Gly87= (NM_001363813.1).
Identifiers: ClinVar variation 1613633 (VCV001613633.9), dbSNP rs1567769274, ClinGen allele CA501691981.

ClinVar aggregate classification (germline): Benign/Likely benign. Review status: criteria provided, multiple submitters, no conflicts (2 of 4 stars). 2 submissions from 2 submitters: Benign (1); Likely benign (1). Last evaluated 2024-06-26.

Conditions:
Oligodontia-cancer predisposition syndrome. Also called: TOOTH AGENESIS-COLORECTAL CANCER SYNDROME. Identifiers: Orphanet 300576, MedGen C1837750, MONDO:0012075, OMIM 608615. Disease mechanism: loss of function.

Submissions (2):

Myriad Genetics, Inc.
Classification: Benign for Oligodontia-cancer predisposition syndrome. Last evaluated: 2024-06-26. Review status: criteria provided, single submitter. Criteria: Myriad Autosomal Dominant, Autosomal Recessive and X-Linked Classification Criteria (2023). Collection method: clinical testing. Allele origin: unknown.
Comment: This variant is considered benign. This variant is a silent/synonymous amino acid change and it is not expected to impact splicing.

Labcorp Genetics (formerly Invitae), Labcorp
Classification: Likely benign for Oligodontia-cancer predisposition syndrome. Last evaluated: 2021-08-27. Review status: criteria provided, single submitter. Criteria: Invitae Variant Classification Sherloc (09022015). Collection method: clinical testing. Allele origin: germline.